The following is an entry in ClinVar:

ClinVar aggregate classification (germline): Conflicting classifications of pathogenicity. Review status: criteria provided, conflicting classifications (1 of 4 stars). 5 submissions from 4 submitters: Uncertain significance (3); Likely benign (2). Last evaluated 2026-01-12.

Conditions:
Mitochondrial complex I deficiency, nuclear type 1. Also called: NADH-COENZYME Q REDUCTASE DEFICIENCY; MITOCHONDRIAL NADH DEHYDROGENASE COMPONENT OF COMPLEX I, DEFICIENCY OF. Identifiers: MedGen C6022305, MONDO:0100224, OMIM 252010.
Leigh syndrome (NULS). Also called: LEIGH SYNDROME, NUCLEAR; Leigh Disease; Subacute necrotizing encephalopathy; Necrotizing encephalopathy infantile subacute of Leigh; Leigh's necrotizing encephalopathy; Leigh's disease. Identifiers: Orphanet 506, MedGen C2931891, MONDO:0009723, OMIM 256000.
Inborn genetic diseases. Identifiers: MedGen C0950123, MeSH D030342.

Allele frequency attached by ClinVar (database versions not stated): gnomAD 0.00004 and 0.00006; gnomAD exomes 0.00004 and 0.00008; TOPMed 0.00006; ExAC 0.00016; 1000 Genomes Project 30x 0.00031; 1000 Genomes Project 0.00040.
gnomAD v4.1: 75 of 1,608,046 alleles (0.0047%); highest among the groups gnomAD compares: Middle Eastern, 0.066%; no homozygotes.

Submissions (5):

Labcorp Genetics (formerly Invitae), Labcorp
Classification: Uncertain significance. Last evaluated: 2026-01-12. Review status: criteria provided, single submitter. Criteria: Invitae Variant Classification Sherloc (09022015). Collection method: clinical testing. Allele origin: germline.
Comment: This sequence change replaces alanine, which is neutral and non-polar, with valine, which is neutral and non-polar, at codon 53 of the NDUFS7 protein (p.Ala53Val). This variant is present in population databases (rs565395435, gnomAD 0.02%). This variant has not been reported in the literature in individuals affected with NDUFS7-related conditions. ClinVar contains an entry for this variant (Variation ID: 889310). An algorithm developed to predict the effect of missense changes on protein structure and function outputs the following: PolyPhen-2: "Benign". The valine amino acid residue is found in multiple mammalian species, which suggests that this missense change does not adversely affect protein function. In summary, the available evidence is currently insufficient to determine the role of this variant in disease. Therefore, it has been classified as a Variant of Uncertain Significance.

Blueprint Genetics
Classification: Likely benign. Last evaluated: 2024-03-26. Review status: criteria provided, single submitter. Criteria: ACMG Guidelines, 2015. Collection method: clinical testing. Allele origin: germline.

Ambry Genetics
Classification: Likely benign for Inborn genetic diseases. Last evaluated: 2023-08-14. Review status: criteria provided, single submitter. Criteria: Ambry Variant Classification Scheme 2023. Collection method: clinical testing. Allele origin: germline.

Illumina Laboratory Services, Illumina
Classification: Uncertain significance for Leigh syndrome. Last evaluated: 2018-01-12. Review status: criteria provided, single submitter. Criteria: ICSL Variant Classification Criteria 13 December 2019. Collection method: clinical testing. Allele origin: germline.

Illumina Laboratory Services, Illumina
Classification: Uncertain significance for Mitochondrial complex I deficiency, nuclear type 1. Last evaluated: 2018-01-12. Review status: criteria provided, single submitter. Criteria: ICSL Variant Classification Criteria 13 December 2019. Collection method: clinical testing. Allele origin: germline.

NM_024407.5(NDUFS7):c.158C>T (p.Ala53Val)

Gene: NDUFS7 (NADH:ubiquinone oxidoreductase core subunit S7; plus strand). Cytogenetic location: 19p13.3.
Variant type: single nucleotide variant.
Coding change: c.158C>T on transcript NM_024407.5 (MANE Select); coding-DNA position 158, C replaced by T.
Protein change: p.Ala53Val; replaces alanine 53 with valine.
Molecular consequence: missense variant.
Genome position (GRCh38, 1-based): chr19:1,388,868, C>T. VCF-style: chr19-1388868-C-T. GRCh37 (hg19) VCF-style: chr19-1388867-C-T.
Other names: c.158C>T, p.Ala53Val (NM_001363602.2); short protein forms A53V.
Identifiers: ClinVar variation 889310 (VCV000889310.9), dbSNP rs565395435, ClinGen allele CA9043133.